The following is an entry in ClinVar:

NM_021912.5(GABRB3):c.50C>G (p.Thr17Ser)

Gene: GABRB3 (gamma-aminobutyric acid type A receptor subunit beta3; minus strand). Cytogenetic location: 15q12.
Variant type: single nucleotide variant.
Coding change: c.50C>G on transcript NM_021912.5; coding-DNA position 50, C replaced by G.
Protein change: p.Thr17Ser; replaces threonine 17 with serine.
Molecular consequence: missense variant.
Genome position (GRCh38, 1-based): chr15:26,773,675, G>C on the plus strand (C>G on the coding strand, the complement: GABRB3 is on the minus strand). VCF-style: chr15-26773675-G-C. GRCh37 (hg19) VCF-style: chr15-27018822-G-C.
Other names: short protein forms T17S.
Identifiers: ClinVar variation 3772463 (VCV003772463.13).
Genomic context (GRCh38, chr15:26,773,675, plus strand): 5'-CTGCAGAACGCCGGGAAGCCCCCGCCTCACCTGCGGGGCTCAGAGCCTCGGGTCCCCAGG[G>C]TCCAGGAGAGCCAGATGGGCAGCAGGAGCTCCAGGAGCCCGGAGCACATGGCGCTGTTCC-3'

ClinVar aggregate classification (germline): Uncertain significance (1 of 4 stars; one submission).

gnomAD v4.1: 2 of 1,574,500 alleles (0.00013%); highest among the groups gnomAD compares: Non-Finnish European, 0.00017%; no homozygotes.

Submission:

CeGaT Center for Human Genetics Tuebingen
Classification: Uncertain significance. Last evaluated: 2025-02-01. Review status: criteria provided, single submitter. Criteria: CeGaT Center For Human Genetics Tuebingen Variant Classification Criteria Version 2. Collection method: clinical testing. Allele origin: germline. Affected: yes. Observed: 1 variant allele.
Comment: GABRB3: PP2, BP4